The following is an entry in ClinVar:

ClinVar aggregate classification (germline): Uncertain significance. Review status: criteria provided, multiple submitters, no conflicts (2 of 4 stars). 3 submissions from 3 submitters: Uncertain significance (3). Last evaluated 2025-12-24.

Conditions:
Idiopathic Pulmonary Fibrosis. Also called: Idiopathic fibrosing alveolitis, chronic form; idiopathic fibrosing alveolitis. Identifiers: Orphanet 2032, MedGen C1800706, MeSH D054990, MONDO:0800504.
Dyskeratosis congenita, autosomal dominant 2. Identifiers: MedGen C3151443, MONDO:0013521, OMIM 613989.
Dyskeratosis congenita. Identifiers: Orphanet 1775, MedGen C0265965, MONDO:0015780.

Allele frequency attached by ClinVar (database versions not stated): TOPMed below 0.00001.

Submissions (3):

Labcorp Genetics (formerly Invitae), Labcorp
Classification: Uncertain significance for Dyskeratosis congenita, autosomal dominant 2; Idiopathic Pulmonary Fibrosis. Last evaluated: 2025-12-24. Review status: criteria provided, single submitter. Criteria: Invitae Variant Classification Sherloc (09022015). Collection method: clinical testing. Allele origin: germline.
Comment: This sequence change replaces histidine, which is basic and polar, with glutamine, which is neutral and polar, at codon 258 of the TERT protein (p.His258Gln). This variant is not present in population databases (gnomAD no frequency). This variant has not been reported in the literature in individuals affected with TERT-related conditions. ClinVar contains an entry for this variant (Variation ID: 959824). Invitae Evidence Modeling of protein sequence and biophysical properties (such as structural, functional, and spatial information, amino acid conservation, physicochemical variation, residue mobility, and thermodynamic stability) indicates that this missense variant is not expected to disrupt TERT protein function with a negative predictive value of 95%. In summary, the available evidence is currently insufficient to determine the role of this variant in disease. Therefore, it has been classified as a Variant of Uncertain Significance.

Dasa
Classification: Uncertain significance. Last evaluated: 2025-03-17. Review status: criteria provided, single submitter. Criteria: DASA Assertion Criteria. Collection method: clinical testing. Allele origin: germline.
Comment: NM_198253.3(TERT):c.774C>A (p.His258Gln) is a missense variant that results in the substitution of histidine with glutamine. This variant is rare in population databases. Computational prediction algorithms are consistent with a benign effect. The currently available literature and clinical evidence are not sufficient to establish a definitive association between this variant and the reported condition. Therefore, this variant is classified as a variant of uncertain significance.

Ambry Genetics
Classification: Uncertain significance for Dyskeratosis congenita. Last evaluated: 2023-08-30. Review status: criteria provided, single submitter. Criteria: Ambry Variant Classification Scheme 2023. Collection method: clinical testing. Allele origin: germline.
Comment: The p.H258Q variant (also known as c.774C>A), located in coding exon 2 of the TERT gene, results from a C to A substitution at nucleotide position 774. The histidine at codon 258 is replaced by glutamine, an amino acid with highly similar properties. This amino acid position is conserved. In addition, this alteration is predicted to be tolerated by in silico analysis. Since supporting evidence is limited at this time, the clinical significance of this alteration remains unclear.

NM_198253.3(TERT):c.774C>A (p.His258Gln)

Gene: TERT (telomerase reverse transcriptase; minus strand). Cytogenetic location: 5p15.33.
Variant type: single nucleotide variant.
Coding change: c.774C>A on transcript NM_198253.3 (MANE Select); coding-DNA position 774, C replaced by A.
Protein change: p.His258Gln; replaces histidine 258 with glutamine.
Molecular consequence: missense variant. On other transcripts: non-coding transcript variant (2).
Genome position (GRCh38, 1-based): chr5:1,294,112, G>T on the plus strand (C>A on the coding strand, the complement: TERT is on the minus strand). VCF-style: chr5-1294112-G-T. GRCh37 (hg19) VCF-style: chr5-1294227-G-T.
Other names: c.774C>A, p.His258Gln (NM_001193376.3); short protein forms H258Q.
Identifiers: ClinVar variation 959824 (VCV000959824.13), dbSNP rs1380946920, ClinGen allele CA359056848.
Genomic context (GRCh38, chr5:1,294,112, plus strand): 5'-GGGTCTGGCAGGTGACACCACACAGAAACCACGGTCACTCGGTCCACGCGTCCTGCCCGG[G>T]TGGGCCCAGGACCCCTGCCCAACGGGCGTCCGCTCCGGCTCAGGGGCAGCGCCACGCCTG-3'
Protein context (NP_937983.2, residues 248-268): RTPVGQGSWA[His258Gln]PGRTRGPSDR